The following is an entry in ClinVar:

NM_000478.6(ALPL):c.1171dup (p.Arg391fs)

Gene: ALPL (alkaline phosphatase, biomineralization associated; plus strand). Cytogenetic location: 1p36.12.
Variant type: Duplication.
Coding change: c.1171dup on transcript NM_000478.6 (MANE Select); coding-DNA position 1171, one base duplicated (C; older notation c.1171dupC).
Protein change: p.Arg391fs; shifts the reading frame from arginine 391.
Molecular consequence: frameshift variant.
Genome position (GRCh38, 1-based): chr1:21,575,906, C duplicated; the last of 6 consecutive C bases (chr1:21,575,901-21,575,906); duplicating any one gives the same sequence. VCF-style (leftmost placement, unchanged base first): chr1-21575900-A-AC. GRCh37 (hg19) VCF-style: chr1-21902393-A-AC.
Other names: c.1171dupC (NM_000478.6); c.1006dup, p.Arg336fs (NM_001127501.4); c.940dup, p.Arg314fs (NM_001177520.3); c.1171dup, p.Arg391fs (NM_001369803.2, NM_001369804.2, NM_001369805.2); c.1171dup (NM_000478.5); short protein forms R336fs, R391fs, R314fs.
Identifiers: ClinVar variation 504232 (VCV000504232.18), dbSNP rs751404811, ClinGen allele CA666743.
Genomic context (GRCh38, chr1:21,575,900, plus strand): 5'-GAAGACACTCTGACCGTGGTCACTGCGGACCATTCCCACGTCTTCACATTTGGTGGATAC[A>AC]CCCCCCGTGGCAACTCTATCTTTGGTAGGTGGGCCTTCTTTGGGGTGGACACTCCTGGGG-3'

ClinVar aggregate classification (germline): Pathogenic/Likely pathogenic. Review status: criteria provided, multiple submitters, no conflicts (2 of 4 stars). 10 submissions from 10 submitters: Pathogenic (6); Likely pathogenic (3). 1 of the submissions does not count toward it. Last evaluated 2026-02-12.

Conditions:
Adult hypophosphatasia. Identifiers: Orphanet 247676, Orphanet 436, MedGen C0268413, MONDO:1010154, OMIM 146300, MONDO:0007798.
Infantile hypophosphatasia. Identifiers: Orphanet 247651, Orphanet 436, MedGen C0268412, MONDO:1010169, OMIM 241500, MONDO:0009427.
Hypophosphatasia. Also called: Phosphoethanol-aminuria. Identifiers: Orphanet 436, MedGen C0020630, MeSH D007014, MONDO:0018570.
ALPL-related disorder. Also called: ALPL-related disorders; ALPL-related condition.
Childhood hypophosphatasia. Identifiers: Orphanet 247667, Orphanet 436, MedGen C0220743, MONDO:1010168, OMIM 241510, MONDO:0009428.

Submissions (10):

JKU Lab, Dept of Paediatrics, Johannes Kepler University
Classification: Pathogenic for Hypophosphatasia. Last evaluated: 2026-02-12. Review status: criteria provided, single submitter. Criteria: ACMG Guidelines, 2015. Collection method: curation. Allele origin: germline. Affected: yes.
Comment: This frameshift variant is present in GnomAD 4.1 (f = 6.8405e-07). The REVEL score is not applicable variant is predicted to affect protein function (REVEL score: 0.745). Splice-prediction algorithms predict no effect on splicing. This variant has been reported in the literature in individuals affected with ALPL-related conditions (PMID:37600704).

Genomenon, Inc
Classification: Pathogenic for Hypophosphatasia. Last evaluated: 2025-08-29. Review status: criteria provided, single submitter. Criteria: Genomenon Sequence Variant Interpretation Standards. Collection method: curation. Allele origin: germline. Affected: yes.
Comment: ALPL p.Arg391ProfsTer14 (c.1171dup) is a frameshift variant that results in the production of a truncated protein which is predicted to undergo nonsense-mediated mRNA decay. This variant has been observed in at least one proband affected with hypophosphatasia (PMID:33191482;37600704). It is absent or not present at a significant frequency in gnomAD. In conclusion, we classify ALPL p.Arg391ProfsTer14 (c.1171dup) as a pathogenic variant.

Labcorp Genetics (formerly Invitae), Labcorp
Classification: Pathogenic. Last evaluated: 2025-07-23. Review status: criteria provided, single submitter. Criteria: Invitae Variant Classification Sherloc (09022015). Collection method: clinical testing. Allele origin: germline.
Comment: This sequence change creates a premature translational stop signal (p.Arg391Profs*14) in the ALPL gene. It is expected to result in an absent or disrupted protein product. Loss-of-function variants in ALPL are known to be pathogenic (PMID: 3174660, 10679946, 32973344, 33814268). This variant is present in population databases (rs751404811, gnomAD 0.007%). This premature translational stop signal has been observed in individual(s) with ALPL-related conditions (PMID: 33191482). ClinVar contains an entry for this variant (Variation ID: 504232). For these reasons, this variant has been classified as Pathogenic.

Women's Health and Genetics/Laboratory Corporation of America, LabCorp
Classification: Pathogenic for Hypophosphatasia. Last evaluated: 2025-04-17. Review status: criteria provided, single submitter. Criteria: LabCorp Variant Classification Summary - May 2015. Collection method: clinical testing. Allele origin: germline.
Comment: Variant summary: ALPL c.1171dupC (p.Arg391Profs*14) results in a premature termination codon, predicted to cause a truncation of the encoded protein or absence of the protein due to nonsense mediated decay, which are commonly known mechanisms for disease. The variant allele was found at a frequency of 4e-06 in 251472 control chromosomes. c.1171dupC has been observed as heterozygous in individuals affected with Hypophosphatasia, with this being the only ALPL variant detected in these individuals (e.g., Cinque_2023, Jandl_2021). The following publications have been ascertained in the context of this evaluation (PMID: 37600704, 33191482). ClinVar contains an entry for this variant (Variation ID: 504232). Based on the evidence outlined above, the variant was classified as pathogenic.

Natera, Inc.
Classification: Pathogenic for Hypophosphatasia. Last evaluated: 2024-12-18. Review status: criteria provided, single submitter. Criteria: Natera Variant Classification Schema (03/2026). Collection method: clinical testing. Allele origin: germline.
Comment: The c.1171dup variant in ALPL is a frameshift variant predicted to shift the reading frame beginning at codon 391 and leads to a stop codon 14 codons downstream. This variant is expected to result in nonsense mediated decay, truncation, or a dysfunctional protein product. This variant is rare in the general population with a frequency below the threshold expected for the associated phenotype(s). This variant has been observed in affected individual(s) with monoallelic occurrence (heterozygous/hemizygous) (PMID: 37600704, 33191482). Given the available evidence, this variant is classified as Pathogenic.

Fulgent Genetics
Classification: Likely pathogenic for Adult hypophosphatasia; Infantile hypophosphatasia; Childhood hypophosphatasia. Last evaluated: 2024-06-05. Review status: criteria provided, single submitter. Criteria: ACMG Guidelines, 2015. Collection method: clinical testing. Allele origin: germline.

Baylor Genetics
Classification: Pathogenic for Adult hypophosphatasia. Last evaluated: 2023-11-09. Review status: criteria provided, single submitter. Criteria: ACMG Guidelines, 2015. Collection method: clinical testing. Allele origin: unknown.

Blueprint Genetics
Classification: Likely pathogenic for ALPL-related disorders. Last evaluated: 2018-07-26. Review status: criteria provided, single submitter. Criteria: ACMG Guidelines, 2015. Collection method: clinical testing. Allele origin: germline. Affected: yes. Observed: 1 variant allele.

GeneDx
Classification: Likely pathogenic. Last evaluated: 2018-02-06. Review status: criteria provided, single submitter. Criteria: GeneDx Variant Classification (06012015). Collection method: clinical testing. Allele origin: germline. Affected: yes.
Comment: The c.1171dupC variant in the ALPL gene has not been reported previously as a pathogenic variant nor as a benign variant, to our knowledge. The c.1171dupC variant causes a frameshift starting with codon Arginine 391, changes this amino acid to a Proline residue, and creates a premature Stop codon at position 14 of the new reading frame, denoted p.Arg391ProfsX14. This variant is predicted to cause loss of normal protein function either through protein truncation or nonsense-mediated mRNA decay. The c.1171dupC variant is not observed at a significant frequency in large population cohorts (Lek et al., 2016). We interpret c.1171dupC as a likely pathogenic variant.

Counsyl
Classification: Likely pathogenic for Infantile hypophosphatasia. Last evaluated: 2016-09-14. Review status: no assertion criteria provided. Collection method: clinical testing. Allele origin: unknown. Not counted in ClinVar's aggregate classification.

Literature cited by the submitters: PubMed 37600704 (cited by 4 submitters); PubMed 33191482 (cited by 4 submitters); PubMed 3174660 (cited by Labcorp Genetics (formerly Invitae), Labcorp); PubMed 10679946 (cited by Labcorp Genetics (formerly Invitae), Labcorp); PubMed 32973344 (cited by Labcorp Genetics (formerly Invitae), Labcorp); PubMed 33814268 (cited by Labcorp Genetics (formerly Invitae), Labcorp).